The following is an entry in ClinVar:

ClinVar aggregate classification (germline): Uncertain significance (1 of 4 stars; one submission).

Conditions:
Familial hypocalciuric hypercalcemia (FHH). Also called: Familial benign hypercalcemia. Identifiers: Orphanet 405, MedGen C1809471, MONDO:0018458.
Autosomal dominant hypocalcemia 1 (HYPOC1). Also called: HYPOCALCEMIA, FAMILIAL. Identifiers: MedGen C3715128, MONDO:0011013, OMIM 601198.

Allele frequency attached by ClinVar (database versions not stated): TOPMed below 0.00001.

Submission:

Labcorp Genetics (formerly Invitae), Labcorp
Classification: Uncertain significance for Familial hypocalciuric hypercalcemia; Autosomal dominant hypocalcemia 1. Last evaluated: 2025-05-30. Review status: criteria provided, single submitter. Criteria: Invitae Variant Classification Sherloc (09022015). Collection method: clinical testing. Allele origin: germline.
Comment: This sequence change replaces aspartic acid, which is acidic and polar, with glycine, which is neutral and non-polar, at codon 50 of the CASR protein (p.Asp50Gly). This variant is present in population databases (no rsID available, gnomAD 0.01%). This variant has not been reported in the literature in individuals affected with CASR-related conditions. ClinVar contains an entry for this variant (Variation ID: 1401236). An algorithm developed to predict the effect of missense changes on protein structure and function (PolyPhen-2) suggests that this variant is likely to be tolerated. In summary, the available evidence is currently insufficient to determine the role of this variant in disease. Therefore, it has been classified as a Variant of Uncertain Significance.

NM_000388.4(CASR):c.149A>G (p.Asp50Gly)

Gene: CASR (calcium sensing receptor; plus strand). Cytogenetic location: 3q21.1.
Variant type: single nucleotide variant.
Coding change: c.149A>G on transcript NM_000388.4 (MANE Select); coding-DNA position 149, A replaced by G.
Protein change: p.Asp50Gly; replaces aspartic acid 50 with glycine.
Molecular consequence: missense variant.
Genome position (GRCh38, 1-based): chr3:122,254,338, A>G. VCF-style: chr3-122254338-A-G. GRCh37 (hg19) VCF-style: chr3-121973185-A-G.
Other names: c.149A>G, p.Asp50Gly (NM_001178065.2); short protein forms D50G.
Identifiers: ClinVar variation 1401236 (VCV001401236.7), dbSNP rs1174370617, ClinGen allele CA354362236.